The following is an entry in ClinVar:

ClinVar aggregate classification (germline): Pathogenic (1 of 4 stars; one submission).

Conditions:
Primary ciliary dyskinesia. Also called: Ciliary dyskinesia. Identifiers: Orphanet 244, MedGen C0008780, MONDO:0016575, HP:0012265.

Submission:

Labcorp Genetics (formerly Invitae), Labcorp
Classification: Pathogenic for Primary ciliary dyskinesia. Last evaluated: 2022-05-30. Review status: criteria provided, single submitter. Criteria: Invitae Variant Classification Sherloc (09022015). Collection method: clinical testing. Allele origin: germline.
Comment: This variant is a gross deletion of the genomic region encompassing exon(s) 2-3 of the RPGR gene. This variant would be expected to be in-frame, preserving the integrity of the reading frame. A similar copy number variant has been observed in individuals with retinitis pigmentosa (PMID: 23681342; Invitae). This variant disrupts a region of the RPGR protein in which other variant(s) (p.Gly65Asp) have been determined to be pathogenic (PMID: 20861475, 23372056). This suggests that this is a clinically significant region of the protein, and that variants that disrupt it are likely to be disease-causing. For these reasons, this variant has been classified as Pathogenic.

Literature cited by the submitters: PubMed 23681342; PubMed 20861475; PubMed 23372056.

NC_000023.10:g.(?_38182086)_(38182797_?)del

Gene: RPGR (retinitis pigmentosa GTPase regulator; minus strand). Cytogenetic location: Xp11.4.
Variant type: Deletion.
Identifiers: ClinVar variation 2422897 (VCV002422897.12).